The following is an entry in ClinVar:

ClinVar aggregate classification (germline): Uncertain significance (1 of 4 stars; one submission).

Submission:

GeneDx
Classification: Uncertain significance. Last evaluated: 2023-01-09. Review status: criteria provided, single submitter. Criteria: GeneDx Variant Classification Process June 2021. Collection method: clinical testing. Allele origin: germline. Affected: yes.
Comment: Not observed at significant frequency in large population cohorts (gnomAD); Frameshift variant predicted to result in protein truncation as the last 25 amino acids are replaced with 82 different amino acids, although loss-of-function variants have not been reported downstream of this position in the protein; Has not been previously published as pathogenic or benign to our knowledge

NM_006852.6(TLK2):c.2176del (p.Ser726fs)

Gene: TLK2 (tousled like kinase 2; plus strand). Cytogenetic location: 17q23.2.
Variant type: Deletion.
Coding change: c.2176del on transcript NM_006852.6 (MANE Select); coding-DNA position 2176, one base deleted (T; older notation c.2176delT).
Protein change: p.Ser726fs; shifts the reading frame from serine 726.
Molecular consequence: frameshift variant.
Genome position (GRCh38, 1-based): chr17:62,612,488, T deleted. VCF-style (leftmost placement, unchanged base first): chr17-62612487-GT-G. GRCh37 (hg19) VCF-style: chr17-60689848-GT-G.
Other names: c.2242del, p.Ser748fs (NM_001284333.3); c.2080del, p.Ser694fs (NM_001284363.1, NM_001375272.1); c.1729del, p.Ser577fs (NM_001330418.3, NM_001375273.1); c.2218del, p.Ser740fs (NM_001375269.1); c.2176del, p.Ser726fs (NM_001375270.1, NM_001375271.1); c.1891del, p.Ser631fs (NM_001411074.1); short protein forms S577fs, S631fs, S694fs, S726fs, S740fs, S748fs.
Identifiers: ClinVar variation 2571710 (VCV002571710.1), dbSNP rs2546106190, ClinGen allele CA2580613213.
Genomic context (GRCh38, chr17:62,612,487, plus strand): 5'-GGACCGCATTGATGTCCAGCAGCTGGCCTGTGATCCCTACTTGTTGCCTCACATCCGAAA[GT>G]CAGTCTCTACAAGTAGCCCTGCTGGAGCTGCTATTGCATCAACCTCTGGGGCGTCCAATA-3'